The following is an entry in ClinVar:

NM_005956.4(MTHFD1):c.777C>T (p.Asp259=)

Gene: MTHFD1 (methylenetetrahydrofolate dehydrogenase, cyclohydrolase and formyltetrahydrofolate synthetase 1; plus strand). Cytogenetic location: 14q23.3.
Variant type: single nucleotide variant.
Coding change: c.777C>T on transcript NM_005956.4 (MANE Select); coding-DNA position 777, C replaced by T.
Protein change: p.Asp259=; no amino-acid change (aspartic acid 259 retained).
Molecular consequence: synonymous variant.
Genome position (GRCh38, 1-based): chr14:64,424,853, C>T. VCF-style: chr14-64424853-C-T. GRCh37 (hg19) VCF-style: chr14-64891571-C-T.
Other names: p.Asp259=; c.777C>T, p.Asp259= (NM_001364837.1).
Identifiers: ClinVar variation 740197 (VCV000740197.37), dbSNP rs138933024, ClinGen allele CA7226036.

ClinVar aggregate classification (germline): Likely benign. Review status: criteria provided, multiple submitters, no conflicts (2 of 4 stars). 5 submissions from 5 submitters: Likely benign (5). Last evaluated 2026-08-01.

Allele frequency attached by ClinVar (database versions not stated): gnomAD exomes 0.00025; ESP Exome Variant Server 0.00031; gnomAD 0.00035; TOPMed 0.00063.
gnomAD v4.1: 441 of 1,613,974 alleles (0.027%); highest among the groups gnomAD compares: South Asian, 0.18%; 2 homozygotes.

Submissions (5):

CeGaT Center for Human Genetics Tuebingen
Classification: Likely benign. Last evaluated: 2026-08-01. Review status: criteria provided, single submitter. Criteria: CeGaT Center For Human Genetics Tuebingen Variant Classification Criteria Version 2. Collection method: clinical testing. Allele origin: germline. Affected: yes. Observed: 5 variant alleles.
Comment: MTHFD1: BP4, BP7

Labcorp Genetics (formerly Invitae), Labcorp
Classification: Likely benign. Last evaluated: 2026-02-04. Review status: criteria provided, single submitter. Criteria: Invitae Variant Classification Sherloc (09022015). Collection method: clinical testing. Allele origin: germline.

Mayo Clinic Laboratories, Mayo Clinic
Classification: Likely benign. Last evaluated: 2025-08-12. Review status: criteria provided, single submitter. Criteria: ACMG Guidelines, 2015. Collection method: clinical testing. Allele origin: germline. Observed: 2 variant alleles.
Comment: BS1, BP4, BP7

Blueprint Genetics
Classification: Likely benign. Last evaluated: 2024-07-12. Review status: criteria provided, single submitter. Criteria: ACMG Guidelines, 2015. Collection method: clinical testing. Allele origin: germline.

Breakthrough Genomics
Classification: Likely benign. Review status: criteria provided, single submitter. Criteria: ACMG Guidelines, 2015. Collection method: not provided. Allele origin: germline. Inheritance: Autosomal dominant inheritance. Affected: yes.